The following is an entry in ClinVar:

NM_017617.5(NOTCH1):c.3723C>T (p.Asn1241=)

Gene: NOTCH1 (notch receptor 1; minus strand). Cytogenetic location: 9q34.3.
Variant type: single nucleotide variant.
Coding change: c.3723C>T on transcript NM_017617.5 (MANE Select); coding-DNA position 3723, C replaced by T.
Protein change: p.Asn1241=; no amino-acid change (asparagine 1241 retained).
Molecular consequence: synonymous variant.
Genome position (GRCh38, 1-based): chr9:136,506,894, G>A on the plus strand (C>T on the coding strand, the complement: NOTCH1 is on the minus strand). VCF-style: chr9-136506894-G-A. GRCh37 (hg19) VCF-style: chr9-139401346-G-A.
Other names: c.3723C>T (NM_017617.4).
Identifiers: ClinVar variation 699302 (VCV000699302.16), dbSNP rs369637862, ClinGen allele CA5340815.

ClinVar aggregate classification (germline): Likely benign. Review status: criteria provided, multiple submitters, no conflicts (2 of 4 stars). 7 submissions from 6 submitters: Likely benign (6). 1 of the submissions does not count toward it. Last evaluated 2025-10-18.

Conditions:
Aortic valve disease 1 (AOVD1). Identifiers: MedGen C3887892, MONDO:0024523, OMIM 109730.
Adams-Oliver syndrome 5 (AOS5). Identifiers: Orphanet 974, MedGen C4014970, MONDO:0014459, OMIM 616028.
NOTCH1-related disorder. Also called: NOTCH1-related condition; NOTCH1-related disorders.
Familial thoracic aortic aneurysm and aortic dissection (TAAD). Also called: Thoracic aortic aneurysms and dissections. Identifiers: Orphanet 91387, MedGen C4707243, MONDO:0019625.

Allele frequency attached by ClinVar (database versions not stated): gnomAD 0.00001; ExAC 0.00002; gnomAD exomes 0.00002 and 0.00009; TOPMed 0.00002; ESP Exome Variant Server 0.00008.
gnomAD v4.1: 132 of 1,611,334 alleles (0.0082%); highest among the groups gnomAD compares: Middle Eastern, 0.033%; no homozygotes.

Submissions (7):

Labcorp Genetics (formerly Invitae), Labcorp
Classification: Likely benign for Adams-Oliver syndrome 5. Last evaluated: 2025-10-18. Review status: criteria provided, single submitter. Criteria: Invitae Variant Classification Sherloc (09022015). Collection method: clinical testing. Allele origin: germline.

Women's Health and Genetics/Laboratory Corporation of America, LabCorp
Classification: Likely benign. Last evaluated: 2024-11-15. Review status: criteria provided, single submitter. Criteria: LabCorp Variant Classification Summary - May 2015. Collection method: clinical testing. Allele origin: germline.

Ambry Genetics
Classification: Likely benign for Familial thoracic aortic aneurysm and aortic dissection. Last evaluated: 2022-03-23. Review status: criteria provided, single submitter. Criteria: Ambry Variant Classification Scheme 2023. Collection method: clinical testing. Allele origin: germline.

Genome-Nilou Lab
Classification: Likely benign for Adams-Oliver syndrome 5. Last evaluated: 2022-03-15. Review status: criteria provided, single submitter. Criteria: ACMG Guidelines, 2015. Collection method: clinical testing. Allele origin: germline. Affected: no.

Genome-Nilou Lab
Classification: Likely benign for Aortic valve disease 1. Last evaluated: 2022-03-15. Review status: criteria provided, single submitter. Criteria: ACMG Guidelines, 2015. Collection method: clinical testing. Allele origin: germline. Affected: no.

GeneDx
Classification: Likely benign. Last evaluated: 2018-11-29. Review status: criteria provided, single submitter. Criteria: GeneDx Variant Classification Process June 2021. Collection method: clinical testing. Allele origin: germline. Affected: yes.

PreventionGenetics, part of Exact Sciences
Classification: Likely benign for NOTCH1-related condition. Last evaluated: 2022-02-22. Review status: no assertion criteria provided. Collection method: clinical testing. Allele origin: germline. Not counted in ClinVar's aggregate classification.
Comment: This variant is classified as likely benign based on ACMG/AMP sequence variant interpretation guidelines (Richards et al. 2015 PMID: 25741868, with internal and published modifications).